The following is an entry in ClinVar:

NM_000038.6(APC):c.1408+1330C>T

Gene: APC (APC regulator of WNT signaling pathway; plus strand). Cytogenetic location: 5q22.2.
Variant type: single nucleotide variant.
Coding change: c.1408+1330C>T on transcript NM_000038.6 (MANE Select); 1330 bases into the intron after coding-DNA position 1408, C replaced by T.
Molecular consequence: intron variant. On other transcripts: missense variant (12).
Genome position (GRCh38, 1-based): chr5:112,823,321, C>T. VCF-style: chr5-112823321-C-T. GRCh37 (hg19) VCF-style: chr5-112159018-C-T.
Other names: c.1423C>T, p.Arg475Trp (NM_001354896.2, NM_001407447.1, NM_001407448.1 and 1 more transcripts); c.1246C>T, p.Arg416Trp (NM_001354900.2); c.1453C>T, p.Arg485Trp (NM_001407446.1); c.1348C>T, p.Arg450Trp (NM_001407451.1); c.1339C>T, p.Arg447Trp (NM_001407452.1); c.1120C>T, p.Arg374Trp (NM_001407454.1, NM_001407455.1, NM_001407456.1 and 1 more transcripts); c.559+1330C>T (NM_001407470.1, NM_001354906.2); c.256+1330C>T (NM_001407472.1, NM_001407471.1); and 11 more; short protein forms R374W, R416W, R447W, R450W, R475W, R485W.
Identifiers: ClinVar variation 3055578 (VCV003055578.2), dbSNP rs118179368, ClinGen allele CA027351.

ClinVar aggregate classification (germline): Likely benign (0 of 4 stars; one submission).

Conditions:
APC-related disorder. Also called: APC-related condition.

Allele frequency attached by ClinVar (database versions not stated): gnomAD 0.00009; 1000 Genomes Project 0.00020; 1000 Genomes Project 30x 0.00031.

Submission:

PreventionGenetics, part of Exact Sciences
Classification: Likely benign for APC-related condition. Last evaluated: 2022-02-15. Review status: no assertion criteria provided. Collection method: clinical testing. Allele origin: germline.
Comment: This variant is classified as likely benign based on ACMG/AMP sequence variant interpretation guidelines (Richards et al. 2015 PMID: 25741868, with internal and published modifications).